The following is an entry in ClinVar:

NM_020821.3(VPS13C):c.9790C>T (p.Leu3264Phe)

Gene: VPS13C (vacuolar protein sorting 13 homolog C; minus strand). Cytogenetic location: 15q22.2.
Variant type: single nucleotide variant.
Coding change: c.9790C>T on transcript NM_020821.3 (MANE Select); coding-DNA position 9790, C replaced by T.
Protein change: p.Leu3264Phe; replaces leucine 3264 with phenylalanine.
Molecular consequence: missense variant.
Genome position (GRCh38, 1-based): chr15:61,880,941, G>A on the plus strand (C>T on the coding strand, the complement: VPS13C is on the minus strand). VCF-style: chr15-61880941-G-A. GRCh37 (hg19) VCF-style: chr15-62173140-G-A.
Other names: c.9790C>T, p.Leu3264Phe (NM_001018088.3); c.9661C>T, p.Leu3221Phe (NM_017684.5, NM_018080.4); short protein forms L3221F, L3264F.
Identifiers: ClinVar variation 2059302 (VCV002059302.4), dbSNP rs1457279496, ClinGen allele CA392672786.

ClinVar aggregate classification (germline): Uncertain significance (1 of 4 stars; one submission).

Allele frequency attached by ClinVar (database versions not stated): TOPMed below 0.00001.
gnomAD v4.1: 5 of 1,597,442 alleles (0.00031%); highest among the groups gnomAD compares: Admixed American, 0.0018%; no homozygotes.

Submission:

Labcorp Genetics (formerly Invitae), Labcorp
Classification: Uncertain significance. Last evaluated: 2022-01-05. Review status: criteria provided, single submitter. Criteria: Invitae Variant Classification Sherloc (09022015). Collection method: clinical testing. Allele origin: germline.
Comment: In summary, the available evidence is currently insufficient to determine the role of this variant in disease. Therefore, it has been classified as a Variant of Uncertain Significance. Algorithms developed to predict the effect of missense changes on protein structure and function are either unavailable or do not agree on the potential impact of this missense change (SIFT: "Deleterious"; PolyPhen-2: "Probably Damaging"; Align-GVGD: "Class C15"). This variant has not been reported in the literature in individuals affected with VPS13C-related conditions. This variant is present in population databases (no rsID available, gnomAD 0.003%). This sequence change replaces leucine, which is neutral and non-polar, with phenylalanine, which is neutral and non-polar, at codon 3264 of the VPS13C protein (p.Leu3264Phe).